The following is an entry in ClinVar:

NM_000051.4(ATM):c.2250+7G>T

Gene: ATM (ATM serine/threonine kinase; plus strand). Cytogenetic location: 11q22.3.
Variant type: single nucleotide variant.
Coding change: c.2250+7G>T on transcript NM_000051.4 (MANE Select); 7 bases into the intron after coding-DNA position 2250, G replaced by T.
Molecular consequence: intron variant.
Genome position (GRCh38, 1-based): chr11:108,256,347, G>T. VCF-style: chr11-108256347-G-T. GRCh37 (hg19) VCF-style: chr11-108127074-G-T.
Other names: c.2250+7G>T (NM_001351834.2).
Identifiers: ClinVar variation 717780 (VCV000717780.10), dbSNP rs752009031, ClinGen allele CA228397459.

ClinVar aggregate classification (germline): Likely benign. Review status: criteria provided, multiple submitters, no conflicts (2 of 4 stars). 2 submissions from 2 submitters: Likely benign (2). Last evaluated 2025-07-31.

Conditions:
Ataxia-telangiectasia syndrome (AT). Also called: AT, COMPLEMENTATION GROUP C; LOUIS-BAR SYNDROME; Ataxia telangiectasia (A-T); Cerebello-oculocutaneous telangiectasia; Immunodeficiency with ataxia telangiectasia; Ataxia-telangiectasia, complementation group D. Identifiers: Orphanet 100, MedGen C0004135, MONDO:0008840, OMIM 208900.
Familial cancer of breast. Also called: hereditary breast carcinoma; BREAST CANCER, FAMILIAL; Hereditary breast cancer. Identifiers: Orphanet 227535, MedGen C0346153, MONDO:0016419, OMIM 114480. Disease mechanism: loss of function.

Allele frequency attached by ClinVar (database versions not stated): gnomAD 0.00001; TOPMed 0.00002.
gnomAD v4.1: 3 of 1,606,968 alleles (0.00019%); highest among the groups gnomAD compares: African/African-American, 0.004%; no homozygotes.

Submissions (2):

Labcorp Genetics (formerly Invitae), Labcorp
Classification: Likely benign for Ataxia-telangiectasia syndrome. Last evaluated: 2025-07-31. Review status: criteria provided, single submitter. Criteria: Invitae Variant Classification Sherloc (09022015). Collection method: clinical testing. Allele origin: germline.

Myriad Genetics, Inc.
Classification: Likely benign for Familial cancer of breast. Last evaluated: 2024-05-07. Review status: criteria provided, single submitter. Criteria: Myriad Autosomal Dominant, Autosomal Recessive and X-Linked Classification Criteria (2023). Collection method: clinical testing. Allele origin: unknown.
Comment: This variant is considered likely benign. This variant is intronic and is not expected to impact mRNA splicing.